The following is an entry in ClinVar:

ClinVar aggregate classification (germline): Uncertain significance (1 of 4 stars; one submission).

Submission:

Labcorp Genetics (formerly Invitae), Labcorp
Classification: Uncertain significance. Last evaluated: 2024-06-04. Review status: criteria provided, single submitter. Criteria: Invitae Variant Classification Sherloc (09022015). Collection method: clinical testing. Allele origin: germline.
Comment: This sequence change replaces proline, which is neutral and non-polar, with threonine, which is neutral and polar, at codon 275 of the MICAL1 protein (p.Pro275Thr). This variant is not present in population databases (gnomAD no frequency). This variant has not been reported in the literature in individuals affected with MICAL1-related conditions. An algorithm developed to predict the effect of missense changes on protein structure and function (PolyPhen-2) suggests that this variant is likely to be tolerated. In summary, the available evidence is currently insufficient to determine the role of this variant in disease. Therefore, it has been classified as a Variant of Uncertain Significance.

NM_022765.4(MICAL1):c.766C>A (p.Pro256Thr)

Gene: MICAL1 (microtubule associated monooxygenase, calponin and LIM domain containing 1; minus strand). Cytogenetic location: 6q21.
Variant type: single nucleotide variant.
Coding change: c.766C>A on transcript NM_022765.4 (MANE Select); coding-DNA position 766, C replaced by A.
Protein change: p.Pro256Thr; replaces proline 256 with threonine.
Molecular consequence: missense variant.
Genome position (GRCh38, 1-based): chr6:109,452,312, G>T on the plus strand (C>A on the coding strand, the complement: MICAL1 is on the minus strand). VCF-style: chr6-109452312-G-T. GRCh37 (hg19) VCF-style: chr6-109773515-G-T.
Other names: c.766C>A, p.Pro256Thr (NM_001159291.2); c.823C>A, p.Pro275Thr (NM_001286613.2); short protein forms P256T, P275T.
Identifiers: ClinVar variation 2759494 (VCV002759494.3), dbSNP rs771902129, ClinGen allele CA365232614.